The following is an entry in ClinVar:

ClinVar aggregate classification (germline): Uncertain significance. Review status: criteria provided, multiple submitters, no conflicts (2 of 4 stars). 2 submissions from 2 submitters: Uncertain significance (2). Last evaluated 2025-03-30.

Conditions:
Breast-ovarian cancer, familial, susceptibility to, 4. Identifiers: Orphanet 145, MedGen C3280345, MONDO:0013669, OMIM 614291.
Hereditary cancer-predisposing syndrome. Also called: Hereditary Cancer Syndrome; Tumor predisposition; Hereditary neoplastic syndrome; Neoplastic Syndromes, Hereditary. Identifiers: Orphanet 140162, MedGen C0027672, MeSH D009386, MONDO:0015356.

Allele frequency attached by ClinVar (database versions not stated): gnomAD exomes below 0.00001.
gnomAD v4.1: 1 of 1,611,962 alleles (0.000062%); highest among the groups gnomAD compares: Non-Finnish European, 0.000085%; no homozygotes.

Submissions (2):

Ambry Genetics
Classification: Uncertain significance for Hereditary cancer-predisposing syndrome. Last evaluated: 2025-03-30. Review status: criteria provided, single submitter. Criteria: Ambry Variant Classification Scheme 2023. Collection method: clinical testing. Allele origin: germline.

Labcorp Genetics (formerly Invitae), Labcorp
Classification: Uncertain significance for Breast-ovarian cancer, familial, susceptibility to, 4. Last evaluated: 2024-08-04. Review status: criteria provided, single submitter. Criteria: Invitae Variant Classification Sherloc (09022015). Collection method: clinical testing. Allele origin: germline.
Comment: This sequence change replaces alanine, which is neutral and non-polar, with threonine, which is neutral and polar, at codon 163 of the RAD51D protein (p.Ala163Thr). This variant is not present in population databases (gnomAD no frequency). This variant has not been reported in the literature in individuals affected with RAD51D-related conditions. ClinVar contains an entry for this variant (Variation ID: 1417706). An algorithm developed to predict the effect of missense changes on protein structure and function (PolyPhen-2) suggests that this variant is likely to be disruptive. In summary, the available evidence is currently insufficient to determine the role of this variant in disease. Therefore, it has been classified as a Variant of Uncertain Significance.

NM_002878.4(RAD51D):c.487G>A (p.Ala163Thr)

Genes: RAD51D (RAD51 paralog D; minus strand), RAD51L3-RFFL (RAD51L3-RFFL readthrough; minus strand). Cytogenetic location: 17q12.
Variant type: single nucleotide variant.
Coding change: c.487G>A on transcript NM_002878.4 (MANE Select); coding-DNA position 487, G replaced by A.
Protein change: p.Ala163Thr; replaces alanine 163 with threonine.
Molecular consequence: missense variant. On other transcripts: non-coding transcript variant (3).
Genome position (GRCh38, 1-based): chr17:35,106,475, C>T on the plus strand (G>A on the coding strand, the complement: RAD51D is on the minus strand). VCF-style: chr17-35106475-C-T. GRCh37 (hg19) VCF-style: chr17-33433494-C-T.
Other names: c.487G>A (NM_002878.3); c.547G>A, p.Ala183Thr (NM_001142571.2); c.151G>A, p.Ala51Thr (NM_133629.3); short protein forms A183T, A51T, A163T.
Identifiers: ClinVar variation 1417706 (VCV001417706.9), dbSNP rs2142429681, ClinGen allele CA399089048.